The following is an entry in ClinVar:

ClinVar aggregate classification (germline): Uncertain significance (1 of 4 stars; one submission).

Conditions:
DiGeorge syndrome. Also called: THIRD AND FOURTH PHARYNGEAL POUCH SYNDROME; Catch22. Identifiers: Orphanet 567, MedGen C0012236, MONDO:0008564, OMIM 188400.

Submission:

Labcorp Genetics (formerly Invitae), Labcorp
Classification: Uncertain significance for DiGeorge syndrome. Last evaluated: 2022-08-01. Review status: criteria provided, single submitter. Criteria: Invitae Variant Classification Sherloc (09022015). Collection method: clinical testing. Allele origin: germline.
Comment: In summary, the available evidence is currently insufficient to determine the role of this variant in disease. Therefore, it has been classified as a Variant of Uncertain Significance. Algorithms developed to predict the effect of missense changes on protein structure and function are either unavailable or do not agree on the potential impact of this missense change (SIFT: "Tolerated"; PolyPhen-2: "Not Available"; Align-GVGD: "Class C0"). This sequence change replaces alanine, which is neutral and non-polar, with glutamic acid, which is acidic and polar, at codon 73 of the TBX1 protein (p.Ala73Glu). This variant is not present in population databases (gnomAD no frequency). This variant has not been reported in the literature in individuals affected with TBX1-related conditions.

NM_001379200.1(TBX1):c.245C>A (p.Ala82Glu)

Gene: TBX1 (T-box transcription factor 1; plus strand). Cytogenetic location: 22q11.21.
Variant type: single nucleotide variant.
Coding change: c.245C>A on transcript NM_001379200.1 (MANE Select); coding-DNA position 245, C replaced by A.
Protein change: p.Ala82Glu; replaces alanine 82 with glutamic acid.
Molecular consequence: missense variant.
Genome position (GRCh38, 1-based): chr22:19,761,088, C>A. VCF-style: chr22-19761088-C-A. GRCh37 (hg19) VCF-style: chr22-19748611-C-A.
Other names: c.218C>A, p.Ala73Glu (NM_005992.1, NM_080646.2, NM_080647.1); short protein forms A73E, A82E.
Identifiers: ClinVar variation 2005453 (VCV002005453.4), dbSNP rs2517842304, ClinGen allele CA410681454.
Genomic context (GRCh38, chr22:19,761,088, plus strand): 5'-GCGCCGCCGCCGCCCCCGGCGCCCCGGGCCCGCCGCCGCCGCCGCACGCCTACCCGTTTG[C>A]GCCGGCCGCCGGGGCCGCCACCAGCGCCGCCGCCGAGCCCGAGGGCCCCGGGGCCAGCTG-3'
Protein context (NP_001366129.1, residues 72-92): PPPPPHAYPF[Ala82Glu]PAAGAATSAA